The following is an entry in ClinVar:

ClinVar aggregate classification (germline): Uncertain significance. Review status: criteria provided, multiple submitters, no conflicts (2 of 4 stars). 2 submissions from 2 submitters: Uncertain significance (2). Last evaluated 2025-10-17.

Conditions:
Inborn genetic diseases. Identifiers: MedGen C0950123, MeSH D030342.

gnomAD v4.1: 5 of 1,613,546 alleles (0.00031%); highest among the groups gnomAD compares: Non-Finnish European, 0.00034%; no homozygotes.

Submissions (2):

Ambry Genetics
Classification: Uncertain significance for Inborn genetic diseases. Last evaluated: 2025-10-17. Review status: criteria provided, single submitter. Criteria: Ambry Variant Classification Scheme 2023. Collection method: clinical testing. Allele origin: germline.

Labcorp Genetics (formerly Invitae), Labcorp
Classification: Uncertain significance. Last evaluated: 2025-10-15. Review status: criteria provided, single submitter. Criteria: Invitae Variant Classification Sherloc (09022015). Collection method: clinical testing. Allele origin: germline.
Comment: This sequence change replaces proline, which is neutral and non-polar, with serine, which is neutral and polar, at codon 1323 of the ANK3 protein (p.Pro1323Ser). This variant is present in population databases (rs773881233, gnomAD 0.0009%). This variant has not been reported in the literature in individuals affected with ANK3-related conditions. Invitae Evidence Modeling of protein sequence and biophysical properties (such as structural, functional, and spatial information, amino acid conservation, physicochemical variation, residue mobility, and thermodynamic stability) indicates that this missense variant is not expected to disrupt ANK3 protein function with a negative predictive value of 80%. In summary, the available evidence is currently insufficient to determine the role of this variant in disease. Therefore, it has been classified as a Variant of Uncertain Significance.

NM_020987.5(ANK3):c.3967C>T (p.Pro1323Ser)

Gene: ANK3 (ankyrin 3; minus strand). Cytogenetic location: 10q21.2.
Variant type: single nucleotide variant.
Coding change: c.3967C>T on transcript NM_020987.5 (MANE Select); coding-DNA position 3967, C replaced by T.
Protein change: p.Pro1323Ser; replaces proline 1323 with serine.
Molecular consequence: missense variant.
Genome position (GRCh38, 1-based): chr10:60,084,709, G>A on the plus strand (C>T on the coding strand, the complement: ANK3 is on the minus strand). VCF-style: chr10-60084709-G-A. GRCh37 (hg19) VCF-style: chr10-61844467-G-A.
Other names: c.1369C>T, p.Pro457Ser (NM_001149.4); c.3949C>T, p.Pro1317Ser (NM_001204403.2); c.3970C>T, p.Pro1324Ser (NM_001204404.2); c.3967C>T, p.Pro1323Ser (NM_001320874.2); short protein forms P1317S, P1323S, P457S, P1324S.
Identifiers: ClinVar variation 4576972 (VCV004576972.2).
Genomic context (GRCh38, chr10:60,084,709, plus strand): 5'-CTAAAGTTTTGTCCACTTTGTCATCTGTCATGCAGAAACATCGCAAGGAAGATTCTACGG[G>A]ATCATTCATTTTGGCAAAAACAACAAACTTGGCCATATATGGAACACATATCAATTCTCT-3'
Protein context (NP_066267.2, residues 1313-1333): KFVVFAKMND[Pro1323Ser]VESSLRCFCM